The following is an entry in ClinVar:

NM_014319.5(LEMD3):c.595G>T (p.Ala199Ser)

Gene: LEMD3 (LEM domain containing 3; plus strand). Cytogenetic location: 12q14.3.
Variant type: single nucleotide variant.
Coding change: c.595G>T on transcript NM_014319.5 (MANE Select); coding-DNA position 595, G replaced by T.
Protein change: p.Ala199Ser; replaces alanine 199 with serine.
Molecular consequence: missense variant.
Genome position (GRCh38, 1-based): chr12:65,170,191, G>T. VCF-style: chr12-65170191-G-T. GRCh37 (hg19) VCF-style: chr12-65563971-G-T.
Other names: c.595G>T, p.Ala199Ser (NM_001167614.2); short protein forms A199S.
Identifiers: ClinVar variation 4702704 (VCV004702704.1).

ClinVar aggregate classification (germline): Uncertain significance (1 of 4 stars; one submission).

gnomAD v4.1: 2 of 1,504,022 alleles (0.00013%); highest among the groups gnomAD compares: Non-Finnish European, 0.00018%; no homozygotes.

Submission:

Labcorp Genetics (formerly Invitae), Labcorp
Classification: Uncertain significance. Last evaluated: 2025-02-13. Review status: criteria provided, single submitter. Criteria: Invitae Variant Classification Sherloc (09022015). Collection method: clinical testing. Allele origin: germline.
Comment: This sequence change replaces alanine, which is neutral and non-polar, with serine, which is neutral and polar, at codon 199 of the LEMD3 protein (p.Ala199Ser). This variant is not present in population databases (gnomAD no frequency). This variant has not been reported in the literature in individuals affected with LEMD3-related conditions. Invitae Evidence Modeling of protein sequence and biophysical properties (such as structural, functional, and spatial information, amino acid conservation, physicochemical variation, residue mobility, and thermodynamic stability) indicates that this missense variant is not expected to disrupt LEMD3 protein function with a negative predictive value of 80%. In summary, the available evidence is currently insufficient to determine the role of this variant in disease. Therefore, it has been classified as a Variant of Uncertain Significance.